The following continues an entry in ClinVar:

NM_001943.5(DSG2):c.166G>A (p.Val56Met)

Gene: DSG2. ClinVar aggregate classification (germline): Conflicting classifications of pathogenicity. Uncertain significance (2); Benign (1); Likely benign (17).

Submissions 16 to 31 of 31:

Illumina Laboratory Services, Illumina
Classification: Uncertain significance for Arrhythmogenic right ventricular dysplasia 10. Last evaluated: 2018-01-19. Review status: criteria provided, single submitter. Criteria: ICSL Variant Classification Criteria 13 December 2019. Collection method: clinical testing. Allele origin: germline.

GeneDx
Classification: Likely benign. Last evaluated: 2017-10-25. Review status: criteria provided, single submitter. Criteria: GeneDx Variant Classification (06012015). Collection method: clinical testing. Allele origin: germline. Affected: yes.
Comment: This variant is considered likely benign or benign based on one or more of the following criteria: it is a conservative change, it occurs at a poorly conserved position in the protein, it is predicted to be benign by multiple in silico algorithms, and/or has population frequency not consistent with disease.

Institute of Human Genetics, University of Leipzig Medical Center
Classification: Uncertain significance for Arrhythmogenic right ventricular dysplasia 10. Last evaluated: 2017-07-20. Review status: criteria provided, single submitter. Criteria: ACMG Guidelines, 2015. Collection method: clinical testing. Allele origin: germline. Affected: yes. Observed: 1 variant allele.

Laboratory for Molecular Medicine, Mass General Brigham Personalized Medicine
Classification: Likely benign. Last evaluated: 2015-03-18. Review status: criteria provided, single submitter. Criteria: LMM Criteria. Collection method: clinical testing. Allele origin: germline. Observed: 15 variant alleles.
Comment: p.Val56Met in exon 3 of DSG2: This variant has been reported in at least 4 indiv iduals with ARVC and was initially believed to be pathogenic (Syrris 2007, Bhuiy an 2009, Den Haan 2009, Christensen 2010, Quarta 2011). However, it has been ide ntified in 0.3% (185/66660) of European chromosomes (including 1 homozygous indi vidual) by the Exome Aggregation Consortium (ExAC, g; dbSNP rs121913013), strongly arguing against a disease causing role when pres ent in isolation. There is some evidence that the p.Val56Met variant may predisp ose to dilated cardiomyopathy as Posch 2008 detected it in 13/538 DCM probands v ersus 3/617 control individuals (p<0.007), but this study has not been replicate d nor firmly established. In summary, the p.Val56Met variant is unlikely to be d isease causing in isolation, but its increased frequency in patients with DCM ve rsus healthy controls raises the possibility that it acts as a modifier when pre sent together with other variants.

Biesecker Lab/Clinical Genomics Section, National Institutes of Health
Classification: Likely benign for Cardiomyopathy, arrhythmogenic right ventricular. Last evaluated: 2013-06-24. Review status: criteria provided, single submitter. Criteria: Ng et al. (Circ Cardiovasc Genet. 2013). Collection method: research. Allele origin: unknown. Observed: 2 variant alleles. Study: ClinSeq.
Comment: The study set was not selected for affection status in relation to any cancer. Pathogenicity categories were based on literature curation. See Pubmed ID:23861362 for details.

Medical sequencing

PreventionGenetics, part of Exact Sciences
Classification: Likely benign for DSG2-related condition. Last evaluated: 2021-02-03. Review status: no assertion criteria provided. Collection method: clinical testing. Allele origin: germline. Not counted in ClinVar's aggregate classification.
Comment: This variant is classified as likely benign based on ACMG/AMP sequence variant interpretation guidelines (Richards et al. 2015 PMID: 25741868, with internal and published modifications).

Blueprint Genetics
Classification: Uncertain significance for Primary familial hypertrophic cardiomyopathy. Last evaluated: 2014-07-23. Review status: no assertion criteria provided. Collection method: clinical testing. Allele origin: germline. Affected: yes. Observed: 1 variant allele. Not counted in ClinVar's aggregate classification.

Blueprint Genetics
Classification: Uncertain significance for Catecholaminergic polymorphic ventricular tachycardia. Last evaluated: 2014-07-23. Review status: no assertion criteria provided. Collection method: clinical testing. Allele origin: germline. Affected: yes. Observed: 1 variant allele. Not counted in ClinVar's aggregate classification.

CSER _CC_NCGL, University of Washington
Classification: Uncertain significance for Cardiomyopathy, arrhythmogenic right ventricular. Last evaluated: 2014-06-01. Review status: no assertion criteria provided. Collection method: research. Allele origin: germline. Inheritance: Autosomal dominant inheritance. Study: ESP 6500 variant annotation. Not counted in ClinVar's aggregate classification.
Comment: Variants classified for the Actionable exomic incidental findings in 6503 participants: challenges of variant classification manuscript

OMIM
Classification: Pathogenic for ARRHYTHMOGENIC RIGHT VENTRICULAR DYSPLASIA, FAMILIAL, 10. Last evaluated: 2008-09-01. Review status: no assertion criteria provided. Collection method: literature only. Allele origin: germline. Not counted in ClinVar's aggregate classification.

OMIM
Classification: risk factor for CARDIOMYOPATHY, DILATED, 1BB, SUSCEPTIBILITY TO. Last evaluated: 2008-09-01. Review status: no assertion criteria provided. Collection method: literature only. Allele origin: germline. Not counted in ClinVar's aggregate classification.

Clinical Genetics DNA and cytogenetics Diagnostics Lab, Erasmus MC, Erasmus Medical Center
Classification: Likely benign. Review status: no assertion criteria provided. Collection method: clinical testing. Allele origin: germline. Affected: yes. Study: VKGL Data-share Consensus. Not counted in ClinVar's aggregate classification.

Clinical Genetics, Academic Medical Center
Classification: Benign. Review status: no assertion criteria provided. Collection method: clinical testing. Allele origin: germline. Affected: yes. Study: VKGL Data-share Consensus. Not counted in ClinVar's aggregate classification.

Diagnostic Laboratory, Department of Genetics, University Medical Center Groningen
Classification: Likely benign. Review status: no assertion criteria provided. Collection method: clinical testing. Allele origin: germline. Affected: yes. Study: VKGL Data-share Consensus. Not counted in ClinVar's aggregate classification.

Genome Diagnostics Laboratory, University Medical Center Utrecht
Classification: Likely benign. Review status: no assertion criteria provided. Collection method: clinical testing. Allele origin: germline. Affected: yes. Study: VKGL Data-share Consensus. Not counted in ClinVar's aggregate classification.

Joint Genome Diagnostic Labs from Nijmegen and Maastricht, Radboudumc and MUMC+
Classification: Likely benign. Review status: no assertion criteria provided. Collection method: clinical testing. Allele origin: germline. Affected: yes. Study: VKGL Data-share Consensus. Not counted in ClinVar's aggregate classification.

Literature cited by the submitters: PubMed 18382419 (cited by Women's Health and Genetics/Laboratory Corporation of America, LabCorp); PubMed 18678517 (cited by Women's Health and Genetics/Laboratory Corporation of America, LabCorp and OMIM); PubMed 17105751 (cited by 4 submitters); PubMed 19039334 (cited by Women's Health and Genetics/Laboratory Corporation of America, LabCorp and Laboratory for Molecular Medicine, Mass General Brigham Personalized Medicine); PubMed 19358943 (cited by Women's Health and Genetics/Laboratory Corporation of America, LabCorp); PubMed 20031616 (cited by Women's Health and Genetics/Laboratory Corporation of America, LabCorp and Laboratory for Molecular Medicine, Mass General Brigham Personalized Medicine); PubMed 19955750 (cited by Women's Health and Genetics/Laboratory Corporation of America, LabCorp); PubMed 20152563 (cited by Women's Health and Genetics/Laboratory Corporation of America, LabCorp); PubMed 20857253 (cited by Women's Health and Genetics/Laboratory Corporation of America, LabCorp); PubMed 20716751 (cited by 3 submitters); PubMed 21606390 (cited by Women's Health and Genetics/Laboratory Corporation of America, LabCorp and Laboratory for Molecular Medicine, Mass General Brigham Personalized Medicine); PubMed 20864495 (cited by Women's Health and Genetics/Laboratory Corporation of America, LabCorp and Laboratory for Molecular Medicine, Mass General Brigham Personalized Medicine); PubMed 19569224 (cited by Women's Health and Genetics/Laboratory Corporation of America, LabCorp); PubMed 21455723 (cited by Women's Health and Genetics/Laboratory Corporation of America, LabCorp); PubMed 20031617 (cited by Women's Health and Genetics/Laboratory Corporation of America, LabCorp and Laboratory for Molecular Medicine, Mass General Brigham Personalized Medicine); PubMed 29038103 (cited by Women's Health and Genetics/Laboratory Corporation of America, LabCorp); PubMed 35087879 (cited by Women's Health and Genetics/Laboratory Corporation of America, LabCorp); PubMed 23071725 (cited by Victorian Clinical Genetics Services, Murdoch Childrens Research Institute); PubMed 28087566 (cited by Victorian Clinical Genetics Services, Murdoch Childrens Research Institute); PubMed 28472724 (cited by Victorian Clinical Genetics Services, Murdoch Childrens Research Institute); PubMed 32268277 (cited by Victorian Clinical Genetics Services, Murdoch Childrens Research Institute); PubMed 23810883 (cited by Ambry Genetics and Blueprint Genetics); PubMed 24055113 (cited by Blueprint Genetics).